The following is an entry in ClinVar:

ClinVar aggregate classification (germline): Uncertain significance (1 of 4 stars; one submission).

Submission:

Ambry Genetics
Classification: Uncertain significance. Last evaluated: 2022-08-07. Review status: criteria provided, single submitter. Criteria: Ambry Variant Classification Scheme 2023. Collection method: clinical testing. Allele origin: germline.
Comment: The p.L780P variant (also known as c.2339T>C), located in coding exon 15 of the RINT1 gene, results from a T to C substitution at nucleotide position 2339. The leucine at codon 780 is replaced by proline, an amino acid with similar properties. This amino acid position is conserved. In addition, this alteration is predicted to be deleterious by in silico analysis. Since supporting evidence is limited at this time, the clinical significance of this alteration remains unclear.

NM_021930.6(RINT1):c.2339T>C (p.Leu780Pro)

Genes: EFCAB10 (EF-hand calcium binding domain 10; minus strand), RINT1 (RAD50 interactor 1; plus strand). Cytogenetic location: 7q22.3.
Variant type: single nucleotide variant.
Coding change: c.2339T>C on transcript NM_021930.6 (MANE Select); coding-DNA position 2339, T replaced by C.
Protein change: p.Leu780Pro; replaces leucine 780 with proline.
Molecular consequence: missense variant. On other transcripts: 3 prime UTR variant (2), non-coding transcript variant (1), intron variant (3).
Genome position (GRCh38, 1-based): chr7:105,567,271, T>C. VCF-style: chr7-105567271-T-C. GRCh37 (hg19) VCF-style: chr7-105207718-T-C.
Other names: c.*183A>G (NM_001355527.2, NM_001355529.2); c.2105T>C, p.Leu702Pro (NM_001346599.2); c.1316T>C, p.Leu439Pro (NM_001346600.2, NM_001346603.2); c.1415T>C, p.Leu472Pro (NM_001346601.2); c.360-1824A>G (NM_001355531.2); c.383+196A>G (NM_001355526.2, NM_001355530.2); short protein forms L472P, L439P, L780P, L702P.
Identifiers: ClinVar variation 1789818 (VCV001789818.2), dbSNP rs2485203959, ClinGen allele CA368815673.
Genomic context (GRCh38, chr7:105,567,271, plus strand): 5'-CCACAGCAGCATTAAATGAAGTTGGAATTTACAAACTGGCTCAACAAGATGTTGAGATTC[T>C]ACTTAATTTGAGGACAAATTGGCCTAATACTGGAAAATAATGTCTTTCAGAAAAAGGTTT-3'
Protein context (NP_068749.3, residues 770-790): YKLAQQDVEI[Leu780Pro]LNLRTNWPNT